The following is an entry in ClinVar:

ClinVar aggregate classification (germline): Likely benign (1 of 4 stars; one submission).

Allele frequency attached by ClinVar (database versions not stated): gnomAD 0.00018 and 0.00022; gnomAD exomes 0.00048 and 0.00224; TOPMed 0.00085; 1000 Genomes Project 30x 0.00094; 1000 Genomes Project 0.00120; ExAC 0.00194.
gnomAD v4.1: 675 of 1,534,604 alleles (0.044%); highest among the groups gnomAD compares: Admixed American, 1.1%; 8 homozygotes.

Submission:

GeneDx
Classification: Likely benign. Last evaluated: 2018-06-16. Review status: criteria provided, single submitter. Criteria: GeneDx Variant Classification (06012015). Collection method: clinical testing. Allele origin: germline. Affected: yes.
Comment: This variant is considered likely benign or benign based on one or more of the following criteria: it is a conservative change, it occurs at a poorly conserved position in the protein, it is predicted to be benign by multiple in silico algorithms, and/or has population frequency not consistent with disease.

NM_000834.5(GRIN2B):c.1500+47C>T

Gene: GRIN2B (glutamate ionotropic receptor NMDA type subunit 2B; minus strand). Cytogenetic location: 12p13.1.
Variant type: single nucleotide variant.
Coding change: c.1500+47C>T on transcript NM_000834.5 (MANE Select); 47 bases into the intron after coding-DNA position 1500, C replaced by T.
Molecular consequence: intron variant.
Genome position (GRCh38, 1-based): chr12:13,615,446, G>A on the plus strand (C>T on the coding strand, the complement: GRIN2B is on the minus strand). VCF-style: chr12-13615446-G-A. GRCh37 (hg19) VCF-style: chr12-13768380-G-A.
Identifiers: ClinVar variation 676571 (VCV000676571.1), dbSNP rs182836140, ClinGen allele CA6461237.